The following is an entry in ClinVar:

ClinVar aggregate classification (germline): Uncertain significance (1 of 4 stars; one submission).

Submission:

Labcorp Genetics (formerly Invitae), Labcorp
Classification: Uncertain significance. Last evaluated: 2024-06-29. Review status: criteria provided, single submitter. Criteria: Invitae Variant Classification Sherloc (09022015). Collection method: clinical testing. Allele origin: germline.
Comment: This sequence change replaces glycine, which is neutral and non-polar, with alanine, which is neutral and non-polar, at codon 2163 of the MYO7A protein (p.Gly2163Ala). This variant is not present in population databases (gnomAD no frequency). This variant has not been reported in the literature in individuals affected with MYO7A-related conditions. Advanced modeling of protein sequence and biophysical properties (such as structural, functional, and spatial information, amino acid conservation, physicochemical variation, residue mobility, and thermodynamic stability) performed at Invitae indicates that this missense variant is not expected to disrupt MYO7A protein function with a negative predictive value of 95%. This variant disrupts the p.Gly2163 amino acid residue in MYO7A. Other variant(s) that disrupt this residue have been determined to be pathogenic (PMID: 10094549, 19375528, 19888295, 23770805, 26226137, 28451532). This suggests that this residue is clinically significant, and that variants that disrupt this residue are likely to be disease-causing. In summary, the available evidence is currently insufficient to determine the role of this variant in disease. Therefore, it has been classified as a Variant of Uncertain Significance.

Literature cited by the submitters: PubMed 10094549; PubMed 19375528; PubMed 19888295; PubMed 23770805; PubMed 26226137; PubMed 28451532.

NM_000260.4(MYO7A):c.6488G>C (p.Gly2163Ala)

Gene: MYO7A (myosin VIIA; plus strand). Cytogenetic location: 11q13.5.
Variant type: single nucleotide variant.
Coding change: c.6488G>C on transcript NM_000260.4 (MANE Select); coding-DNA position 6488, G replaced by C.
Protein change: p.Gly2163Ala; replaces glycine 2163 with alanine.
Molecular consequence: missense variant.
Genome position (GRCh38, 1-based): chr11:77,213,909, G>C. VCF-style: chr11-77213909-G-C. GRCh37 (hg19) VCF-style: chr11-76924954-G-C.
Other names: c.6368G>C, p.Gly2123Ala (NM_001127180.2); c.6341G>C, p.Gly2114Ala (NM_001369365.1); short protein forms G2114A, G2123A, G2163A.
Identifiers: ClinVar variation 3634277 (VCV003634277.2).
Genomic context (GRCh38, chr11:77,213,909, plus strand): 5'-TGCTCCCCCAGGATATCCTCACCACTCATCCCTTCACCAAGATCTCCAACTGGAGCAGCG[G>C]CAACACCTACTTCCACATCACCATTGGGAACTTGGTGCGCGGGAGCAAACTGCTCTGCGA-3'
Protein context (NP_000251.3, residues 2153-2173): PFTKISNWSS[Gly2163Ala]NTYFHITIGN